The following is an entry in ClinVar:

NM_001430.5(EPAS1):c.739C>T (p.Arg247Cys)

Genes: EPAS1 (endothelial PAS domain protein 1; plus strand), LOC126806210 (BRD4-independent group 4 enhancer GRCh37_chr2:46587586-46588785; plus strand). Cytogenetic location: 2p21.
Variant type: single nucleotide variant.
Coding change: c.739C>T on transcript NM_001430.5 (MANE Select); coding-DNA position 739, C replaced by T.
Protein change: p.Arg247Cys; replaces arginine 247 with cysteine.
Molecular consequence: missense variant.
Genome position (GRCh38, 1-based): chr2:46,361,050, C>T. VCF-style: chr2-46361050-C-T. GRCh37 (hg19) VCF-style: chr2-46588189-C-T.
Other names: short protein forms R247C.
Identifiers: ClinVar variation 4705253 (VCV004705253.1).

ClinVar aggregate classification (germline): Uncertain significance (1 of 4 stars; one submission).

Submission:

Labcorp Genetics (formerly Invitae), Labcorp
Classification: Uncertain significance. Last evaluated: 2025-10-23. Review status: criteria provided, single submitter. Criteria: Invitae Variant Classification Sherloc (09022015). Collection method: clinical testing. Allele origin: germline.
Comment: This sequence change replaces arginine, which is basic and polar, with cysteine, which is neutral and slightly polar, at codon 247 of the EPAS1 protein (p.Arg247Cys). This variant is present in population databases (rs143507094, gnomAD 0.003%). This variant has not been reported in the literature in individuals affected with EPAS1-related conditions. An algorithm developed to predict the effect of missense changes on protein structure and function (PolyPhen-2) suggests that this variant is likely to be disruptive. In summary, the available evidence is currently insufficient to determine the role of this variant in disease. Therefore, it has been classified as a Variant of Uncertain Significance.